The following is an entry in ClinVar:

ClinVar aggregate classification (germline): Pathogenic (1 of 4 stars; one submission).

Conditions:
Exostoses, multiple, type 2 (EXT2). Also called: Hereditary Multiple Osteochondromatosis, Type II; EXOSTOSES, MULTIPLE, TYPE II. Identifiers: Orphanet 321, MedGen C1851413, MONDO:0007586, OMIM 133701.

Submission:

Labcorp Genetics (formerly Invitae), Labcorp
Classification: Pathogenic for Exostoses, multiple, type 2. Last evaluated: 2018-06-14. Review status: criteria provided, single submitter. Criteria: Invitae Variant Classification Sherloc (09022015). Collection method: clinical testing. Allele origin: germline.
Comment: For these reasons, this variant has been classified as Pathogenic. Loss-of-function variants in EXT2 are known to be pathogenic (PMID: 19810120). This variant is not present in population databases (ExAC no frequency). This sequence change creates a premature translational stop signal (p.His22Asnfs*32) in the EXT2 gene. It is expected to result in an absent or disrupted protein product.

Literature cited by the submitters: PubMed 19810120.

NM_207122.2(EXT2):c.64_68del (p.His22fs)

Gene: EXT2 (exostosin glycosyltransferase 2; plus strand). Cytogenetic location: 11p11.2.
Variant type: Deletion.
Coding change: c.64_68del on transcript NM_207122.2 (MANE Select); coding-DNA positions 64 to 68, 5 bases deleted (CACCG; older notation c.64_68delCACCG).
Protein change: p.His22fs; shifts the reading frame from histidine 22.
Molecular consequence: frameshift variant.
Genome position (GRCh38, 1-based): chr11:44,107,776-44,107,780, CACCG deleted; deleting any 5 consecutive bases within chr11:44,107,775-44,107,780 gives the same sequence; the c. name uses the placement nearest the transcript's 3' end. VCF-style (leftmost placement, unchanged base first): chr11-44107774-AGCACC-A. GRCh37 (hg19) VCF-style: chr11-44129324-AGCACC-A.
Other names: c.163_167del, p.His55fs (NM_000401.3); c.64_68del, p.His22fs (NM_001178083.3); short protein forms H22fs, H55fs.
Identifiers: ClinVar variation 1074447 (VCV001074447.9), dbSNP rs2134965356, ClinGen allele CA2499220949.
Genomic context (GRCh38, chr11:44,107,774, plus strand): 5'-TGTGTGCGTCGGTCAAGTATAATATCCGGGGTCCTGCCCTCATCCCAAGAATGAAGACCA[AGCACC>A]GAATCTACTATATCACCCTCTTCTCCATTGTCCTCCTGGGCCTCATTGCCACTGGCATGT-3'